The following is an entry in ClinVar:

ClinVar aggregate classification (germline): Uncertain significance (1 of 4 stars; one submission).

Conditions:
Hereditary cancer-predisposing syndrome. Also called: Neoplastic Syndromes, Hereditary; Tumor predisposition; Hereditary Cancer Syndrome; Hereditary neoplastic syndrome. Identifiers: Orphanet 140162, MedGen C0027672, MeSH D009386, MONDO:0015356.

Submission:

Ambry Genetics
Classification: Uncertain significance for Hereditary cancer-predisposing syndrome. Last evaluated: 2022-05-24. Review status: criteria provided, single submitter. Criteria: Ambry Variant Classification Scheme 2023. Collection method: clinical testing. Allele origin: germline.
Comment: The p.A1243T variant (also known as c.3727G>A), located in coding exon 22 of the PTCH1 gene, results from a G to A substitution at nucleotide position 3727. The alanine at codon 1243 is replaced by threonine, an amino acid with similar properties. This amino acid position is conserved. In addition, this alteration is predicted to be tolerated by in silico analysis. Since supporting evidence is limited at this time, the clinical significance of this alteration remains unclear.

NM_000264.5(PTCH1):c.3727G>A (p.Ala1243Thr)

Gene: PTCH1 (patched 1; minus strand). Cytogenetic location: 9q22.32.
Variant type: single nucleotide variant.
Coding change: c.3727G>A on transcript NM_000264.5 (MANE Select); coding-DNA position 3727, G replaced by A.
Protein change: p.Ala1243Thr; replaces alanine 1243 with threonine.
Molecular consequence: missense variant. On other transcripts: non-coding transcript variant (1).
Genome position (GRCh38, 1-based): chr9:95,449,146, C>T on the plus strand (G>A on the coding strand, the complement: PTCH1 is on the minus strand). VCF-style: chr9-95449146-C-T. GRCh37 (hg19) VCF-style: chr9-98211428-C-T.
Other names: c.3529G>A, p.Ala1177Thr (NM_001083602.3); c.3724G>A, p.Ala1242Thr (NM_001083603.3); c.3274G>A, p.Ala1092Thr (NM_001083604.3, NM_001083605.3, NM_001083606.3 and 1 more transcripts); c.3571G>A, p.Ala1191Thr (NM_001354918.2); short protein forms A1191T, A1092T, A1243T, A1177T, A1242T.
Identifiers: ClinVar variation 1734344 (VCV001734344.2), dbSNP rs1838214512, ClinGen allele CA374111057.